The following is an entry in ClinVar:

ClinVar aggregate classification (germline): Likely benign. Review status: criteria provided, multiple submitters, no conflicts (2 of 4 stars). 4 submissions from 4 submitters: Likely benign (4). Last evaluated 2025-10-06.

Conditions:
Episodic ataxia type 2 (EA2). Also called: ACETAZOLAMIDE-RESPONSIVE HEREDITARY PAROXYSMAL CEREBELLAR ATAXIA; ATAXIA, EPISODIC, WITH NYSTAGMUS; ATAXIA, FAMILIAL PAROXYSMAL; CEREBELLAR ATAXIA, PAROXYSMAL, ACETAZOLAMIDE-RESPONSIVE; CEREBELLOPATHY, HEREDITARY PAROXYSMAL; EPISODIC ATAXIA, NYSTAGMUS-ASSOCIATED. Identifiers: Orphanet 97, MedGen C1720416, MONDO:0007163, OMIM 108500.
Developmental and epileptic encephalopathy, 42 (DEE42A). Also called: Epileptic encephalopathy, early infantile, 42; DEVELOPMENTAL AND EPILEPTIC ENCEPHALOPATHY 42A; EPILEPTIC ENCEPHALOPATHY, EARLY INFANTILE, 42A. Identifiers: MedGen C4310716, MONDO:0014917, OMIM 617106.

Allele frequency attached by ClinVar (database versions not stated): gnomAD 0.00006 and 0.00007; gnomAD exomes 0.00006 and 0.00008; ESP Exome Variant Server 0.00008; TOPMed 0.00008; ExAC 0.00016; 1000 Genomes Project 0.00020; 1000 Genomes Project 30x 0.00031.
gnomAD v4.1: 95 of 1,606,710 alleles (0.0059%); highest among the groups gnomAD compares: East Asian, 0.022%; no homozygotes.

Submissions (4):

Labcorp Genetics (formerly Invitae), Labcorp
Classification: Likely benign for Developmental and epileptic encephalopathy, 42; Episodic ataxia type 2. Last evaluated: 2025-10-06. Review status: criteria provided, single submitter. Criteria: Invitae Variant Classification Sherloc (09022015). Collection method: clinical testing. Allele origin: germline.

Mayo Clinic Laboratories, Mayo Clinic
Classification: Likely benign. Last evaluated: 2025-06-02. Review status: criteria provided, single submitter. Criteria: ACMG Guidelines, 2015. Collection method: clinical testing. Allele origin: germline. Observed: 1 variant allele.
Comment: BP4, BP7

Blueprint Genetics
Classification: Likely benign. Last evaluated: 2024-07-19. Review status: criteria provided, single submitter. Criteria: ACMG Guidelines, 2015. Collection method: clinical testing. Allele origin: germline.

GeneDx
Classification: Likely benign. Last evaluated: 2020-03-10. Review status: criteria provided, single submitter. Criteria: GeneDx Variant Classification Process June 2021. Collection method: clinical testing. Allele origin: germline. Affected: yes.

NM_001127222.2(CACNA1A):c.903C>T (p.Phe301=)

Gene: CACNA1A (calcium voltage-gated channel subunit alpha1 A; minus strand). Cytogenetic location: 19p13.13.
Variant type: single nucleotide variant.
Coding change: c.903C>T on transcript NM_001127222.2 (MANE Select); coding-DNA position 903, C replaced by T.
Protein change: p.Phe301=; no amino-acid change (phenylalanine 301 retained).
Molecular consequence: synonymous variant.
Genome position (GRCh38, 1-based): chr19:13,359,681, G>A on the plus strand (C>T on the coding strand, the complement: CACNA1A is on the minus strand). VCF-style: chr19-13359681-G-A. GRCh37 (hg19) VCF-style: chr19-13470495-G-A.
Other names: p.Phe301=; c.903C>T, p.Phe301= (NM_000068.4, NM_001127221.2, NM_001174080.2 and 1 more transcripts).
Identifiers: ClinVar variation 391461 (VCV000391461.17), dbSNP rs17846910, ClinGen allele CA9240946.